The following is an entry in ClinVar:

NM_004859.4(CLTC):c.1061G>A (p.Arg354His)

Gene: CLTC (clathrin heavy chain; plus strand). Cytogenetic location: 17q23.1.
Variant type: single nucleotide variant.
Coding change: c.1061G>A on transcript NM_004859.4 (MANE Select); coding-DNA position 1061, G replaced by A.
Protein change: p.Arg354His; replaces arginine 354 with histidine.
Molecular consequence: missense variant.
Genome position (GRCh38, 1-based): chr17:59,660,482, G>A. VCF-style: chr17-59660482-G-A. GRCh37 (hg19) VCF-style: chr17-57737843-G-A.
Other names: c.1073G>A, p.Arg358His (NM_001288653.2); short protein forms R354H, R358H.
Identifiers: ClinVar variation 2505654 (VCV002505654.1), dbSNP rs747997399, ClinGen allele CA8681159.

ClinVar aggregate classification (germline): Uncertain significance (1 of 4 stars; one submission).

Allele frequency attached by ClinVar (database versions not stated): gnomAD exomes below 0.00001; TOPMed below 0.00001; ExAC 0.00001; gnomAD 0.00001.
gnomAD v4.1: 3 of 1,613,942 alleles (0.00019%); highest among the groups gnomAD compares: East Asian, 0.0022%; no homozygotes.

Submission:

GeneDx
Classification: Uncertain significance. Last evaluated: 2022-12-19. Review status: criteria provided, single submitter. Criteria: GeneDx Variant Classification Process June 2021. Collection method: clinical testing. Allele origin: germline. Affected: yes.
Comment: Not observed at significant frequency in large population cohorts (gnomAD); In silico analysis supports that this missense variant has a deleterious effect on protein structure/function; Has not been previously published as pathogenic or benign to our knowledge